The following is an entry in ClinVar:

NM_005859.5(PURA):c.461A>G (p.Lys154Arg)

Gene: PURA (purine rich element binding protein A; plus strand). Cytogenetic location: 5q31.3.
Variant type: single nucleotide variant.
Coding change: c.461A>G on transcript NM_005859.5 (MANE Select); coding-DNA position 461, A replaced by G.
Protein change: p.Lys154Arg; replaces lysine 154 with arginine.
Molecular consequence: missense variant.
Genome position (GRCh38, 1-based): chr5:140,114,642, A>G. VCF-style: chr5-140114642-A-G. GRCh37 (hg19) VCF-style: chr5-139494227-A-G.
Other names: short protein forms K154R.
Identifiers: ClinVar variation 2070656 (VCV002070656.4), dbSNP rs2479505290, ClinGen allele CA361490818.

ClinVar aggregate classification (germline): Uncertain significance (1 of 4 stars; one submission).

Conditions:
PURA-related severe neonatal hypotonia-seizures-encephalopathy syndrome (NEDRIHF). Also called: PURA-Related Neurodevelopmental Disorders; NEURODEVELOPMENTAL DISORDER WITH NEONATAL RESPIRATORY INSUFFICIENCY, HYPOTONIA, AND FEEDING DIFFICULTIES. Identifiers: Orphanet 438213, Orphanet 438216, MedGen C4015357, MONDO:1060108, OMIM 616158, MONDO:0018580.

Submission:

Labcorp Genetics (formerly Invitae), Labcorp
Classification: Uncertain significance for PURA-related severe neonatal hypotonia-seizures-encephalopathy syndrome. Last evaluated: 2022-08-16. Review status: criteria provided, single submitter. Criteria: Invitae Variant Classification Sherloc (09022015). Collection method: clinical testing. Allele origin: germline.
Comment: This sequence change replaces lysine, which is basic and polar, with arginine, which is basic and polar, at codon 154 of the PURA protein (p.Lys154Arg). This variant is not present in population databases (gnomAD no frequency). This variant has not been reported in the literature in individuals affected with PURA-related conditions. Algorithms developed to predict the effect of missense changes on protein structure and function are either unavailable or do not agree on the potential impact of this missense change (SIFT: "Tolerated"; PolyPhen-2: "Possibly Damaging"; Align-GVGD: "Class C0"). In summary, the available evidence is currently insufficient to determine the role of this variant in disease. Therefore, it has been classified as a Variant of Uncertain Significance.